The following is an entry in ClinVar:

ClinVar aggregate classification (germline): Uncertain significance (1 of 4 stars; one submission).

gnomAD v4.1: 1 of 1,614,186 alleles (0.000062%); highest among the groups gnomAD compares: Non-Finnish European, 0.000085%; no homozygotes.

Submission:

Labcorp Genetics (formerly Invitae), Labcorp
Classification: Uncertain significance. Last evaluated: 2024-03-24. Review status: criteria provided, single submitter. Criteria: Invitae Variant Classification Sherloc (09022015). Collection method: clinical testing. Allele origin: germline.
Comment: This sequence change replaces valine, which is neutral and non-polar, with methionine, which is neutral and non-polar, at codon 180 of the CARD8 protein (p.Val180Met). This variant is not present in population databases (gnomAD no frequency). This variant has not been reported in the literature in individuals affected with CARD8-related conditions. An algorithm developed to predict the effect of missense changes on protein structure and function (PolyPhen-2) suggests that this variant is likely to be disruptive. Algorithms developed to predict the effect of sequence changes on RNA splicing suggest that this variant may create or strengthen a splice site. In summary, the available evidence is currently insufficient to determine the role of this variant in disease. Therefore, it has been classified as a Variant of Uncertain Significance.

NM_001184900.3(CARD8):c.688G>A (p.Val230Met)

Gene: CARD8 (caspase recruitment domain family member 8; minus strand). Cytogenetic location: 19q13.33.
Variant type: single nucleotide variant.
Coding change: c.688G>A on transcript NM_001184900.3 (MANE Select); coding-DNA position 688, G replaced by A.
Protein change: p.Val230Met; replaces valine 230 with methionine.
Molecular consequence: missense variant. On other transcripts: non-coding transcript variant (4).
Genome position (GRCh38, 1-based): chr19:48,230,861, C>T on the plus strand (G>A on the coding strand, the complement: CARD8 is on the minus strand). VCF-style: chr19-48230861-C-T. GRCh37 (hg19) VCF-style: chr19-48734118-C-T.
Other names: c.538G>A, p.Val180Met (NM_001184901.1, NM_001351783.2, NM_001351788.2 and 2 more transcripts); c.688G>A, p.Val230Met (NM_001184902.2, NM_001184903.1, NM_001351782.2); c.373G>A, p.Val125Met (NM_001351784.2, NM_001351787.2, NM_001351791.2 and 2 more transcripts); c.352G>A, p.Val118Met (NM_001351786.2); c.445G>A, p.Val149Met (NM_001351790.2); short protein forms V118M, V149M, V125M, V180M, V230M.
Identifiers: ClinVar variation 3647448 (VCV003647448.2).